The following is an entry in ClinVar:

NM_015158.5(KANK1):c.1607C>T (p.Thr536Met)

Gene: KANK1 (KN motif and ankyrin repeat domains 1; plus strand). Cytogenetic location: 9p24.3.
Variant type: single nucleotide variant.
Coding change: c.1607C>T on transcript NM_015158.5 (MANE Select); coding-DNA position 1607, C replaced by T.
Protein change: p.Thr536Met; replaces threonine 536 with methionine.
Molecular consequence: missense variant. On other transcripts: non-coding transcript variant (1).
Genome position (GRCh38, 1-based): chr9:712,373, C>T. VCF-style: chr9-712373-C-T. GRCh37 (hg19) VCF-style: chr9-712373-C-T.
Other names: c.1607C>T (NM_015158.2); c.1607C>T, p.Thr536Met (NM_001256876.3, NM_001256877.3, NM_001354331.2 and 2 more transcripts); c.1133C>T, p.Thr378Met (NM_001354333.2, NM_001354335.2, NM_001354336.2 and 9 more transcripts); short protein forms T378M, T536M.
Identifiers: ClinVar variation 1477915 (VCV001477915.9), dbSNP rs149011172, ClinGen allele CA4960259.
Genomic context (GRCh38, chr9:712,373, plus strand): 5'-TGGAGGCAGTGGTGCAGACCAGAGACCAAATGGTCGGCAGTCACATGGACCTGGTGGACA[C>T]GTGTGTTGGGACCTCCGTGGAAACAAACAGTGTAGGCATCTCCTGCCAGCCTGAATGTAA-3'
Protein context (NP_055973.2, residues 526-546): MVGSHMDLVD[Thr536Met]CVGTSVETNS

ClinVar aggregate classification (germline): Uncertain significance. Review status: criteria provided, multiple submitters, no conflicts (2 of 4 stars). 2 submissions from 2 submitters: Uncertain significance (2). Last evaluated 2023-12-28.

gnomAD v4.1: 43 of 1,614,152 alleles (0.0027%); highest among the groups gnomAD compares: Non-Finnish European, 0.0033%; no homozygotes.

Submissions (2):

Ambry Genetics
Classification: Uncertain significance. Last evaluated: 2023-12-28. Review status: criteria provided, single submitter. Criteria: Ambry Variant Classification Scheme 2023. Collection method: clinical testing. Allele origin: germline.

Labcorp Genetics (formerly Invitae), Labcorp
Classification: Uncertain significance. Last evaluated: 2023-10-16. Review status: criteria provided, single submitter. Criteria: Invitae Variant Classification Sherloc (09022015). Collection method: clinical testing. Allele origin: germline.
Comment: This sequence change replaces threonine, which is neutral and polar, with methionine, which is neutral and non-polar, at codon 536 of the KANK1 protein (p.Thr536Met). This variant is present in population databases (rs149011172, gnomAD 0.007%). This variant has not been reported in the literature in individuals affected with KANK1-related conditions. ClinVar contains an entry for this variant (Variation ID: 1477915). Advanced modeling of protein sequence and biophysical properties (such as structural, functional, and spatial information, amino acid conservation, physicochemical variation, residue mobility, and thermodynamic stability) performed at Invitae indicates that this missense variant is not expected to disrupt KANK1 protein function. In summary, the available evidence is currently insufficient to determine the role of this variant in disease. Therefore, it has been classified as a Variant of Uncertain Significance.